The following is an entry in ClinVar:

ClinVar aggregate classification (germline): Uncertain significance (1 of 4 stars; one submission).

Allele frequency attached by ClinVar (database versions not stated): TOPMed below 0.00001; gnomAD 0.00001; gnomAD exomes 0.00001.

Submission:

Labcorp Genetics (formerly Invitae), Labcorp
Classification: Uncertain significance. Last evaluated: 2022-05-20. Review status: criteria provided, single submitter. Criteria: Invitae Variant Classification Sherloc (09022015). Collection method: clinical testing. Allele origin: germline.
Comment: In summary, the available evidence is currently insufficient to determine the role of this variant in disease. Therefore, it has been classified as a Variant of Uncertain Significance. Algorithms developed to predict the effect of missense changes on protein structure and function are either unavailable or do not agree on the potential impact of this missense change (SIFT: "Deleterious"; PolyPhen-2: "Possibly Damaging"; Align-GVGD: "Class C0"). This variant has not been reported in the literature in individuals affected with FLAD1-related conditions. This variant is not present in population databases (gnomAD no frequency). This sequence change replaces leucine, which is neutral and non-polar, with methionine, which is neutral and non-polar, at codon 481 of the FLAD1 protein (p.Leu481Met).

NM_025207.5(FLAD1):c.1441C>A (p.Leu481Met)

Gene: FLAD1 (flavin adenine dinucleotide synthetase 1; plus strand). Cytogenetic location: 1q21.3.
Variant type: single nucleotide variant.
Coding change: c.1441C>A on transcript NM_025207.5 (MANE Select); coding-DNA position 1441, C replaced by A.
Protein change: p.Leu481Met; replaces leucine 481 with methionine.
Molecular consequence: missense variant.
Genome position (GRCh38, 1-based): chr1:154,990,415, C>A. VCF-style: chr1-154990415-C-A. GRCh37 (hg19) VCF-style: chr1-154962891-C-A.
Other names: c.1150C>A, p.Leu384Met (NM_001184891.2, NM_201398.3); short protein forms L384M, L481M.
Identifiers: ClinVar variation 2188134 (VCV002188134.4), dbSNP rs200322038, ClinGen allele CA30907449.